The following is an entry in ClinVar:

ClinVar aggregate classification (germline): Uncertain significance (1 of 4 stars; one submission).

Conditions:
Ataxia-telangiectasia syndrome (AT). Also called: Cerebello-oculocutaneous telangiectasia; Immunodeficiency with ataxia telangiectasia; Ataxia-telangiectasia, complementation group E; LOUIS-BAR SYNDROME; AT, COMPLEMENTATION GROUP C; ATAXIA-TELANGIECTASIA, COMPLEMENTATION GROUP A. Identifiers: Orphanet 100, MedGen C0004135, MONDO:0008840, OMIM 208900.

Submission:

Labcorp Genetics (formerly Invitae), Labcorp
Classification: Uncertain significance for Ataxia-telangiectasia syndrome. Last evaluated: 2025-10-06. Review status: criteria provided, single submitter. Criteria: Invitae Variant Classification Sherloc (09022015). Collection method: clinical testing. Allele origin: germline.
Comment: This sequence change replaces histidine, which is basic and polar, with aspartic acid, which is acidic and polar, at codon 1518 of the ATM protein (p.His1518Asp). This variant is not present in population databases (gnomAD no frequency). This variant has not been reported in the literature in individuals affected with ATM-related conditions. Invitae Evidence Modeling of protein sequence and biophysical properties (such as structural, functional, and spatial information, amino acid conservation, physicochemical variation, residue mobility, and thermodynamic stability) indicates that this missense variant is not expected to disrupt ATM protein function with a negative predictive value of 95%. In summary, the available evidence is currently insufficient to determine the role of this variant in disease. Therefore, it has been classified as a Variant of Uncertain Significance.

NM_000051.4(ATM):c.4552C>G (p.His1518Asp)

Gene: ATM (ATM serine/threonine kinase; plus strand). Cytogenetic location: 11q22.3.
Variant type: single nucleotide variant.
Coding change: c.4552C>G on transcript NM_000051.4 (MANE Select); coding-DNA position 4552, C replaced by G.
Protein change: p.His1518Asp; replaces histidine 1518 with aspartic acid.
Molecular consequence: missense variant.
Genome position (GRCh38, 1-based): chr11:108,292,734, C>G. VCF-style: chr11-108292734-C-G. GRCh37 (hg19) VCF-style: chr11-108163461-C-G.
Other names: c.4552C>G, p.His1518Asp (NM_001351834.2); short protein forms H1518D.
Identifiers: ClinVar variation 4739249 (VCV004739249.1).
Genomic context (GRCh38, chr11:108,292,734, plus strand): 5'-TTAAGTCAGGTTTGCCAGACAGCCGTGACTTACTGTAAGGATGCTCTAGAAAACCATCTT[C>G]ATGTTATTGTTGGTACACTTATACCCCTTGTGTATGAGCAGGTGGAGGTTCAGAAACAGG-3'
Protein context (NP_000042.3, residues 1508-1528): YCKDALENHL[His1518Asp]VIVGTLIPLV